The following is an entry in ClinVar:

NM_007289.4(MME):c.1946T>G (p.Ile649Ser)

Gene: MME (membrane metalloendopeptidase; plus strand). Cytogenetic location: 3q25.2.
Variant type: single nucleotide variant.
Coding change: c.1946T>G on transcript NM_007289.4 (MANE Select); coding-DNA position 1946, T replaced by G.
Protein change: p.Ile649Ser; replaces isoleucine 649 with serine.
Molecular consequence: missense variant.
Genome position (GRCh38, 1-based): chr3:155,168,763, T>G. VCF-style: chr3-155168763-T-G. GRCh37 (hg19) VCF-style: chr3-154886552-T-G.
Other names: c.1946T>G, p.Ile649Ser (NM_000902.5, NM_001354642.2, NM_001354643.1 and 2 more transcripts); short protein forms I649S.
Identifiers: ClinVar variation 546951 (VCV000546951.55), dbSNP rs184666602, ClinGen allele CA2675694.

ClinVar aggregate classification (germline): Conflicting classifications of pathogenicity. Review status: criteria provided, conflicting classifications (1 of 4 stars). 5 submissions from 5 submitters: Pathogenic (1); Uncertain significance (4). Last evaluated 2026-01-28.

Conditions:
Spinocerebellar ataxia 43 (SCA43). Identifiers: Orphanet 497764, MedGen C4310763, MONDO:0014867, OMIM 617018.

Allele frequency attached by ClinVar (database versions not stated): TOPMed 0.00018.
gnomAD v4.1: 176 of 1,613,334 alleles (0.011%); highest among the groups gnomAD compares: Non-Finnish European, 0.014%; no homozygotes.

Submissions (5):

Labcorp Genetics (formerly Invitae), Labcorp
Classification: Pathogenic. Last evaluated: 2026-01-28. Review status: criteria provided, single submitter. Criteria: Invitae Variant Classification Sherloc (09022015). Collection method: clinical testing. Allele origin: germline.
Comment: This sequence change replaces isoleucine, which is neutral and non-polar, with serine, which is neutral and polar, at codon 649 of the MME protein (p.Ile649Ser). This variant is present in population databases (rs184666602, gnomAD 0.02%). This missense change has been observed in individual(s) with autosomal recessive Charcot-Marie-Tooth disease and/or clinical features of Charcot-Marie-Tooth disease (PMID: 33144514; internal data). In at least one individual the data is consistent with being in trans (on the opposite chromosome) from a pathogenic variant. ClinVar contains an entry for this variant (Variation ID: 546951). Invitae Evidence Modeling of protein sequence and biophysical properties (such as structural, functional, and spatial information, amino acid conservation, physicochemical variation, residue mobility, and thermodynamic stability) indicates that this missense variant is expected to disrupt MME protein function with a positive predictive value of 80%. This variant disrupts the p.Ile649 amino acid residue in MME. Other variant(s) that disrupt this residue have been observed in individuals with MME-related conditions (internal data), which suggests that this may be a clinically significant amino acid residue. For these reasons, this variant has been classified as Pathogenic.

Blueprint Genetics
Classification: Uncertain significance. Last evaluated: 2024-10-15. Review status: criteria provided, single submitter. Criteria: ACMG Guidelines, 2015. Collection method: clinical testing. Allele origin: germline.

GeneDx
Classification: Uncertain significance. Last evaluated: 2024-02-20. Review status: criteria provided, single submitter. Criteria: GeneDx Variant Classification Process June 2021. Collection method: clinical testing. Allele origin: germline. Affected: yes.
Comment: Reported previously as a sporadic variant in a patient with abnormal gait, elevated CK levels, and features of Charcot-Marie-Tooth neuropathy type 2 (axonal) who also harbored a second variant in the MME gene (phase unknown) (PMID: 33144514); In silico analysis supports that this missense variant has a deleterious effect on protein structure/function; This variant is associated with the following publications: (PMID: 34480178, Tagliapietra2022[abstract], 33144514)

CeGaT Center for Human Genetics Tuebingen
Classification: Uncertain significance. Last evaluated: 2023-04-01. Review status: criteria provided, single submitter. Criteria: CeGaT Center For Human Genetics Tuebingen Variant Classification Criteria Version 2. Collection method: clinical testing. Allele origin: germline. Affected: yes. Observed: 3 variant alleles.
Comment: MME: PM1, PM2:Supporting, PM3:Supporting, PP3

Centre for Mendelian Genomics, University Medical Centre Ljubljana
Classification: Uncertain significance for Spinocerebellar ataxia 43. Last evaluated: 2016-01-01. Review status: criteria provided, single submitter. Criteria: ACMG Guidelines, 2015. Collection method: clinical testing. Allele origin: unknown. Affected: yes.
Comment: This variant was classified as: Uncertain significance. The following ACMG criteria were applied in classifying this variant: PM2,PP3.

Literature cited by the submitters: PubMed 33144514 (cited by Labcorp Genetics (formerly Invitae), Labcorp).